The following is an entry in ClinVar:

ClinVar aggregate classification (germline): Uncertain significance. Review status: criteria provided, multiple submitters, no conflicts (2 of 4 stars). 6 submissions from 6 submitters: Uncertain significance (4). 2 of the submissions do not count toward it. Last evaluated 2025-10-30.

Conditions:
CFTR-related disorder (CFTR-RD). Also called: CFTR-related condition; CFTR-related disorders. Identifiers: MedGen C5924204, MONDO:7770004.
Cystic fibrosis (CF). Also called: MUCOVISCIDOSIS. Identifiers: Orphanet 586, MedGen C0010674, MONDO:0009061, OMIM 219700. Disease mechanism: loss of function.

Allele frequency attached by ClinVar (database versions not stated): gnomAD exomes below 0.00001 and 0.00001; gnomAD 0.00001; TOPMed 0.00001.
gnomAD v4.1: 12 of 1,613,914 alleles (0.00074%); highest among the groups gnomAD compares: South Asian, 0.0044%; no homozygotes.

Submissions (6):

PreventionGenetics, part of Exact Sciences
Classification: Uncertain significance for CFTR-related condition. Last evaluated: 2025-10-30. Review status: criteria provided, single submitter. Criteria: ACMG Guidelines, 2015. Collection method: clinical testing. Allele origin: germline.
Comment: The CFTR c.4312C>T variant is predicted to result in the amino acid substitution p.Arg1438Trp. This variant has been reported in individuals with cystic fibrosis, pancreatitis, or positive newborn screening; however, it has been reported in cis with a second CFTR variant, such as c.1521_1523del (p.Phe508del) in multiple individuals (Schrijver et al. 2005. PubMed ID: 15858154; Leonardi et al. 2013. PubMed ID: 23883480; referred to as R1438Y, Vecchio-Pagán et al. 2016. PubMed ID: 27917292). An in vitro experimental study classified this variant as responsive to treatment with the CFTR modulator combination elexacaftor/tezacaftor/ivacaftor; however, the effect of this variant in combination with others it was previously reported with was unclear (Bihler et al. 2024. PubMed ID: 38388235). This variant is reported in 0.0033% of alleles in individuals of South Asian descent in gnomAD. At this time, the clinical significance of this variant is uncertain due to the absence of conclusive functional and genetic evidence.

Women's Health and Genetics/Laboratory Corporation of America, LabCorp
Classification: Uncertain significance. Last evaluated: 2025-05-22. Review status: criteria provided, single submitter. Criteria: LabCorp Variant Classification Summary - May 2015. Collection method: clinical testing. Allele origin: germline.
Comment: Variant summary: CFTR c.4312C>T (p.Arg1438Trp) results in a non-conservative amino acid change located in the ATP-binding domain (IPR003439) of the encoded protein sequence. Algorithms developed to predict the effect of missense changes on protein structure and function all suggest that this variant is likely to be disruptive. The variant allele was found at a frequency of 4e-06 in 250892 control chromosomes. The available data on variant occurrences in the general population are insufficient to allow any conclusion about variant significance. c.4312C>T has been observed in individuals who also carried another (potentially) pathogenic CFTR variant in trans, who had positive newborn screening, pancreatitis or cystic fibrosis (Schrijver_2005, Leonardi_2013, Vecchio-Pagan_2016), however in all of these individuals the variant was reported in cis (i.e. as a complex allele) with the common disease variant p.F508del, providing evidence supporting a benign role. The variant has also been reported together with F508del in an individual with CF and an individual with a positive newborn screening result, wherein both cases no other variants were reported, but phase was not specified (e.g. Castellani_2015, Caterino_2025). Additionally, the variant was reported in a case with recurrent pancreatitis where further genotype information was not provided (Amato_2012). These reports do not provide unequivocal conclusions about association of the variant with Cystic Fibrosis. At least one publication reports experimental evidence evaluating an impact on protein function. The most pronounced variant effect resulted in approximately 60% of normal chloride channel conductance relative to wild type (e.g., Bihler_2024). The following publications have been ascertained in the context of this evaluation (PMID: 22020151, 29271547, 38388235, 26087173, 39747338, 31883651, 23883480, 29569753, 15858154, 27917292). ClinVar contains an entry for this variant (Variation ID: 53940). Based on the evidence outlined above, the variant was classified as VUS-possibly benign.

Ambry Genetics
Classification: Uncertain significance for Cystic fibrosis. Last evaluated: 2024-02-12. Review status: criteria provided, single submitter. Criteria: Ambry Variant Classification Scheme 2023. Collection method: clinical testing. Allele origin: germline.
Comment: The p.R1438W variant (also known as c.4312C>T), located in coding exon 27 of the CFTR gene, results from a C to T substitution at nucleotide position 4312. The arginine at codon 1438 is replaced by tryptophan, an amino acid with dissimilar properties. This variant was reported in cis with p.F508del in an infant with an abnormal newborn screen; a third CFTR variant was detected on the opposite chromosome (Schrijver I et al. J Mol Diagn, 2005 May;7:289-99). In a second individual, this variant was confirmed in cis with p.F508del and in trans with p.Y1032C; the patient initially presented with an abnormal newborn screen with borderline sweat chloride levels and later presented with acute pancreatitis (Leonardi S et al. J Med Case Rep, 2013 Jul;7:188). In a cohort on individuals with CFTR-related disorders, this variant was detected in one individual with recurrent pancreatitis; however, complete genotype information was not provided (Amato F et al. J Mol Diagn, 2012 Jan;14:81-9). This amino acid position is poorly conserved in available vertebrate species. In addition, the in silico prediction for this alteration is inconclusive. Based on available evidence to date, the clinical significance of this alteration remains unclear.

Genome-Nilou Lab
Classification: Uncertain significance for Cystic fibrosis. Last evaluated: 2021-09-05. Review status: criteria provided, single submitter. Criteria: ACMG Guidelines, 2015. Collection method: clinical testing. Allele origin: germline. Affected: no.

Natera, Inc.
Classification: Uncertain significance for Cystic Fibrosis. Last evaluated: 2020-09-16. Review status: no assertion criteria provided. Collection method: clinical testing. Allele origin: germline. Not counted in ClinVar's aggregate classification.

ClinVar Staff, National Center for Biotechnology Information (NCBI)
No classification provided. Condition: CFTR-related disorders. Review status: no classification provided. Collection method: literature only. Allele origin: germline. Affected: yes. Not counted in ClinVar's aggregate classification.

Literature cited by the submitters: PubMed 15858154 (cited by 3 submitters); PubMed 22020151 (cited by Women's Health and Genetics/Laboratory Corporation of America, LabCorp and Ambry Genetics); PubMed 23883480 (cited by Women's Health and Genetics/Laboratory Corporation of America, LabCorp and Ambry Genetics); PubMed 27917292 (cited by Women's Health and Genetics/Laboratory Corporation of America, LabCorp); PubMed 31883651 (cited by Women's Health and Genetics/Laboratory Corporation of America, LabCorp); PubMed 29271547 (cited by Women's Health and Genetics/Laboratory Corporation of America, LabCorp); PubMed 26087173 (cited by Women's Health and Genetics/Laboratory Corporation of America, LabCorp); PubMed 29569753 (cited by Women's Health and Genetics/Laboratory Corporation of America, LabCorp); PubMed 38388235 (cited by Women's Health and Genetics/Laboratory Corporation of America, LabCorp); PubMed 39747338 (cited by Women's Health and Genetics/Laboratory Corporation of America, LabCorp).

NM_000492.4(CFTR):c.4312C>T (p.Arg1438Trp)

Genes: CFTR (CF transmembrane conductance regulator; plus strand), LOC111674477 (CFTR intron 23 enhancer; plus strand). Cytogenetic location: 7q31.2.
Variant type: single nucleotide variant.
Coding change: c.4312C>T on transcript NM_000492.4 (MANE Select); coding-DNA position 4312, C replaced by T.
Protein change: p.Arg1438Trp; replaces arginine 1438 with tryptophan.
Molecular consequence: missense variant.
Genome position (GRCh38, 1-based): chr7:117,666,977, C>T. VCF-style: chr7-117666977-C-T. GRCh37 (hg19) VCF-style: chr7-117307031-C-T.
Other names: short protein forms R1438W.
Identifiers: ClinVar variation 53940 (VCV000053940.13), dbSNP rs397508711, ClinGen allele CA327477.